The following is an entry in ClinVar:

NM_001330700.2(TOP2B):c.3592-3T>C

Gene: TOP2B (DNA topoisomerase II beta; minus strand). Cytogenetic location: 3p24.2.
Variant type: single nucleotide variant.
Coding change: c.3592-3T>C on transcript NM_001330700.2 (MANE Select); 3 bases into the intron before coding-DNA position 3592, T replaced by C.
Molecular consequence: intron variant.
Genome position (GRCh38, 1-based): chr3:25,612,712, A>G on the plus strand (T>C on the coding strand, the complement: TOP2B is on the minus strand). VCF-style: chr3-25612712-A-G. GRCh37 (hg19) VCF-style: chr3-25654203-A-G.
Other names: c.3577-3T>C (NM_001068.3).
Identifiers: ClinVar variation 2721674 (VCV002721674.3), dbSNP rs2529891131, ClinGen allele CA2697550737.
Genomic context (GRCh38, chr3:25,612,712, plus strand): 5'-TAATTGCTTTTCCAGACATTCCAGCCAGAACATCTTCTCGTTCTTGAGATTCCACTTTCT[A>G]AAGTATAATCATAAGGCAGAAGGAACATAAACAACTTCTTAGAAAAGATAATCACTACTT-3'

ClinVar aggregate classification (germline): Uncertain significance (1 of 4 stars; one submission).

Submission:

Labcorp Genetics (formerly Invitae), Labcorp
Classification: Uncertain significance. Last evaluated: 2022-12-17. Review status: criteria provided, single submitter. Criteria: Invitae Variant Classification Sherloc (09022015). Collection method: clinical testing. Allele origin: germline.
Comment: In summary, the available evidence is currently insufficient to determine the role of this variant in disease. Therefore, it has been classified as a Variant of Uncertain Significance. This variant is not present in population databases (gnomAD no frequency). Variants that disrupt the consensus splice site are a relatively common cause of aberrant splicing (PMID: 17576681, 9536098). Algorithms developed to predict the effect of sequence changes on RNA splicing suggest that this variant is not likely to affect RNA splicing. This variant has not been reported in the literature in individuals affected with TOP2B-related conditions. This sequence change falls in intron 27 of the TOP2B gene. It does not directly change the encoded amino acid sequence of the TOP2B protein. It affects a nucleotide within the consensus splice site.

Literature cited by the submitters: PubMed 17576681; PubMed 9536098.